The following is an entry in ClinVar:

NM_000548.5(TSC2):c.4310G>T (p.Ser1437Ile)

Gene: TSC2 (TSC complex subunit 2; plus strand). Cytogenetic location: 16p13.3.
Variant type: single nucleotide variant.
Coding change: c.4310G>T on transcript NM_000548.5 (MANE Select); coding-DNA position 4310, G replaced by T.
Protein change: p.Ser1437Ile; replaces serine 1437 with isoleucine.
Molecular consequence: missense variant.
Genome position (GRCh38, 1-based): chr16:2,084,532, G>T. VCF-style: chr16-2084532-G-T. GRCh37 (hg19) VCF-style: chr16-2134533-G-T.
Other names: c.4109G>T, p.Ser1370Ile (NM_001077183.3); c.4241G>T, p.Ser1414Ile (NM_001114382.3); c.4001G>T, p.Ser1334Ile (NM_001318827.2); c.3965G>T, p.Ser1322Ile (NM_001318829.2); c.3578G>T, p.Ser1193Ile (NM_001318831.2); c.4142G>T, p.Ser1381Ile (NM_001318832.2); c.4112G>T, p.Ser1371Ile (NM_001363528.2); c.4178G>T, p.Ser1393Ile (NM_001370404.1); and 26 more; short protein forms S1171I, S1237I, S1322I, S1351I, S1371I, S1377I, S1400I, S1414I.
Identifiers: ClinVar variation 2112675 (VCV002112675.5), dbSNP rs2151531998, ClinGen allele CA394301261.

ClinVar aggregate classification (germline): Uncertain significance. Review status: criteria provided, multiple submitters, no conflicts (2 of 4 stars). 2 submissions from 2 submitters: Uncertain significance (2). Last evaluated 2024-10-07.

Conditions:
Hereditary cancer-predisposing syndrome. Also called: Tumor predisposition; Hereditary Cancer Syndrome; Neoplastic Syndromes, Hereditary; Hereditary neoplastic syndrome. Identifiers: Orphanet 140162, MedGen C0027672, MeSH D009386, MONDO:0015356.
Tuberous sclerosis 2 (TSC2). Identifiers: Orphanet 805, MedGen C1860707, MONDO:0013199, OMIM 613254.

Submissions (2):

Ambry Genetics
Classification: Uncertain significance for Hereditary cancer-predisposing syndrome. Last evaluated: 2024-10-07. Review status: criteria provided, single submitter. Criteria: Ambry Variant Classification Scheme 2023. Collection method: clinical testing. Allele origin: germline.

Labcorp Genetics (formerly Invitae), Labcorp
Classification: Uncertain significance for Tuberous sclerosis 2. Last evaluated: 2022-09-01. Review status: criteria provided, single submitter. Criteria: Invitae Variant Classification Sherloc (09022015). Collection method: clinical testing. Allele origin: germline.
Comment: Advanced modeling of protein sequence and biophysical properties (such as structural, functional, and spatial information, amino acid conservation, physicochemical variation, residue mobility, and thermodynamic stability) performed at Invitae indicates that this missense variant is not expected to disrupt TSC2 protein function. This variant has not been reported in the literature in individuals affected with TSC2-related conditions. This variant is not present in population databases (gnomAD no frequency). This sequence change replaces serine, which is neutral and polar, with isoleucine, which is neutral and non-polar, at codon 1437 of the TSC2 protein (p.Ser1437Ile). In summary, the available evidence is currently insufficient to determine the role of this variant in disease. Therefore, it has been classified as a Variant of Uncertain Significance.